The following is an entry in ClinVar:

NM_006946.4(SPTBN2):c.224C>T (p.Thr75Met)

Gene: SPTBN2 (spectrin beta, non-erythrocytic 2; minus strand). Cytogenetic location: 11q13.2.
Variant type: single nucleotide variant.
Coding change: c.224C>T on transcript NM_006946.4 (MANE Select); coding-DNA position 224, C replaced by T.
Protein change: p.Thr75Met; replaces threonine 75 with methionine.
Molecular consequence: missense variant.
Genome position (GRCh38, 1-based): chr11:66,715,915, G>A on the plus strand (C>T on the coding strand, the complement: SPTBN2 is on the minus strand). VCF-style: chr11-66715915-G-A. GRCh37 (hg19) VCF-style: chr11-66483386-G-A.
Other names: c.245C>T, p.Thr82Met (NM_001411025.1); short protein forms T82M, T75M.
Identifiers: ClinVar variation 2956763 (VCV002956763.3), dbSNP rs369925402, ClinGen allele CA6129737.
Genomic context (GRCh38, chr11:66,715,915, plus strand): 5'-AGGAGCCTCAGCAGGTTGCGTCCGTCCCGGAGGTCGCTGTACAGGTCCCCCACCCGGCAC[G>A]TGACCCGGGCCAGGTGCGAGTTTACCCACTTGGTGAAGGTTTTCTTCTGCACAGCTTCTC-3'
Protein context (NP_008877.2, residues 65-85): KWVNSHLARV[Thr75Met]CRVGDLYSDL

ClinVar aggregate classification (germline): Uncertain significance (1 of 4 stars; one submission).

Allele frequency attached by ClinVar (database versions not stated): ExAC 0.00002; gnomAD exomes 0.00002; TOPMed 0.00002; ESP Exome Variant Server 0.00008.
gnomAD v4.1: 29 of 1,614,088 alleles (0.0018%); highest among the groups gnomAD compares: South Asian, 0.011%; no homozygotes.

Submission:

Labcorp Genetics (formerly Invitae), Labcorp
Classification: Uncertain significance. Last evaluated: 2023-03-26. Review status: criteria provided, single submitter. Criteria: Invitae Variant Classification Sherloc (09022015). Collection method: clinical testing. Allele origin: germline.
Comment: In summary, the available evidence is currently insufficient to determine the role of this variant in disease. Therefore, it has been classified as a Variant of Uncertain Significance. Advanced modeling of protein sequence and biophysical properties (such as structural, functional, and spatial information, amino acid conservation, physicochemical variation, residue mobility, and thermodynamic stability) performed at Invitae indicates that this missense variant is expected to disrupt SPTBN2 protein function. This variant has not been reported in the literature in individuals affected with SPTBN2-related conditions. This variant is present in population databases (rs369925402, gnomAD 0.01%). This sequence change replaces threonine, which is neutral and polar, with methionine, which is neutral and non-polar, at codon 75 of the SPTBN2 protein (p.Thr75Met).